The following is an entry in ClinVar:

ClinVar aggregate classification (germline): Conflicting classifications of pathogenicity. Review status: criteria provided, conflicting classifications (1 of 4 stars). 2 submissions from 2 submitters: Uncertain significance (1); Likely benign (1). Last evaluated 2024-09-18.

Conditions:
Idiopathic Pulmonary Fibrosis. Also called: Idiopathic fibrosing alveolitis, chronic form; idiopathic fibrosing alveolitis. Identifiers: Orphanet 2032, MedGen C1800706, MeSH D054990, MONDO:0800504.
Dyskeratosis congenita, autosomal dominant 2. Identifiers: MedGen C3151443, MONDO:0013521, OMIM 613989.
Dyskeratosis congenita. Identifiers: Orphanet 1775, MedGen C0265965, MONDO:0015780.

Submissions (2):

Ambry Genetics
Classification: Likely benign for Dyskeratosis congenita. Last evaluated: 2024-09-18. Review status: criteria provided, single submitter. Criteria: Ambry Variant Classification Scheme 2023. Collection method: clinical testing. Allele origin: germline.

Labcorp Genetics (formerly Invitae), Labcorp
Classification: Uncertain significance for Dyskeratosis congenita, autosomal dominant 2; Idiopathic Pulmonary Fibrosis. Last evaluated: 2022-08-15. Review status: criteria provided, single submitter. Criteria: Invitae Variant Classification Sherloc (09022015). Collection method: clinical testing. Allele origin: germline.
Comment: In summary, the available evidence is currently insufficient to determine the role of this variant in disease. Therefore, it has been classified as a Variant of Uncertain Significance. Advanced modeling of protein sequence and biophysical properties (such as structural, functional, and spatial information, amino acid conservation, physicochemical variation, residue mobility, and thermodynamic stability) performed at Invitae indicates that this missense variant is not expected to disrupt TERT protein function. ClinVar contains an entry for this variant (Variation ID: 579520). This variant has not been reported in the literature in individuals affected with TERT-related conditions. This variant is not present in population databases (gnomAD no frequency). This sequence change replaces proline, which is neutral and non-polar, with threonine, which is neutral and polar, at codon 193 of the TERT protein (p.Pro193Thr).

NM_198253.3(TERT):c.577C>A (p.Pro193Thr)

Gene: TERT (telomerase reverse transcriptase; minus strand). Cytogenetic location: 5p15.33.
Variant type: single nucleotide variant.
Coding change: c.577C>A on transcript NM_198253.3 (MANE Select); coding-DNA position 577, C replaced by A.
Protein change: p.Pro193Thr; replaces proline 193 with threonine.
Molecular consequence: missense variant. On other transcripts: non-coding transcript variant (2).
Genome position (GRCh38, 1-based): chr5:1,294,309, G>T on the plus strand (C>A on the coding strand, the complement: TERT is on the minus strand). VCF-style: chr5-1294309-G-T. GRCh37 (hg19) VCF-style: chr5-1294424-G-T.
Other names: c.577C>A, p.Pro193Thr (NM_001193376.3); short protein forms P193T.
Identifiers: ClinVar variation 579520 (VCV000579520.12), dbSNP rs1271112115, ClinGen allele CA359057366.
Genomic context (GRCh38, chr5:1,294,309, plus strand): 5'-GGACCCCGGCCTCCCTGACGCTATGGTTCCAGGCCCGTTCGCATCCCAGACGCCTTCGGG[G>T]TCCACTAGCGTGTGGCGGGGGCCGGGCCTGAGTGGCAGCGCCGAGCTGGTACAGCGGCGG-3'
Protein context (NP_937983.2, residues 183-203): QARPPPHASG[Pro193Thr]RRRLGCERAW